The following is an entry in ClinVar:

NM_004281.4(BAG3):c.1451T>A (p.Val484Asp)

Gene: BAG3 (BAG cochaperone 3; plus strand). Cytogenetic location: 10q26.11.
Variant type: single nucleotide variant.
Coding change: c.1451T>A on transcript NM_004281.4 (MANE Select); coding-DNA position 1451, T replaced by A.
Protein change: p.Val484Asp; replaces valine 484 with aspartic acid.
Molecular consequence: missense variant.
Genome position (GRCh38, 1-based): chr10:119,677,005, T>A. VCF-style: chr10-119677005-T-A. GRCh37 (hg19) VCF-style: chr10-121436517-T-A.
Other names: short protein forms V484D.
Identifiers: ClinVar variation 1430015 (VCV001430015.6), dbSNP rs2134069365, ClinGen allele CA378297344.
Genomic context (GRCh38, chr10:119,677,005, plus strand): 5'-CCCTGGATTCAGTGGACCCCGAGGGACGAGCCGATGTGCGTCAGGCCAGGAGAGACGGTG[T>A]CAGGAAGGTTCAGACCATCTTGGAAAAACTTGAACAGAAAGCCATTGATGTCCCAGGTCA-3'
Protein context (NP_004272.2, residues 474-494): ADVRQARRDG[Val484Asp]RKVQTILEKL

ClinVar aggregate classification (germline): Uncertain significance (1 of 4 stars; one submission).

Conditions:
Myofibrillar myopathy 6. Identifiers: Orphanet 199340, MedGen C2751831, MONDO:0013061, OMIM 612954.
Dilated cardiomyopathy 1HH (CMD1HH). Identifiers: Orphanet 154, MedGen C3151293, MONDO:0013479, OMIM 613881.

Submission:

Labcorp Genetics (formerly Invitae), Labcorp
Classification: Uncertain significance for Dilated cardiomyopathy 1HH; Myofibrillar myopathy 6. Last evaluated: 2021-10-04. Review status: criteria provided, single submitter. Criteria: Invitae Variant Classification Sherloc (09022015). Collection method: clinical testing. Allele origin: germline.
Comment: In summary, the available evidence is currently insufficient to determine the role of this variant in disease. Therefore, it has been classified as a Variant of Uncertain Significance. Algorithms developed to predict the effect of missense changes on protein structure and function are either unavailable or do not agree on the potential impact of this missense change (SIFT: "Deleterious"; PolyPhen-2: "Not Available"; Align-GVGD: "Class C45"). This variant has not been reported in the literature in individuals affected with BAG3-related conditions. This variant is not present in population databases (ExAC no frequency). This sequence change replaces valine with aspartic acid at codon 484 of the BAG3 protein (p.Val484Asp). The valine residue is highly conserved and there is a large physicochemical difference between valine and aspartic acid.